The following is an entry in ClinVar:

ClinVar aggregate classification (germline): Likely benign (1 of 4 stars; one submission).

Allele frequency attached by ClinVar (database versions not stated): 1000 Genomes Project 30x 0.00031.

Submission:

CeGaT Center for Human Genetics Tuebingen
Classification: Likely benign. Last evaluated: 2026-04-01. Review status: criteria provided, single submitter. Criteria: CeGaT Center For Human Genetics Tuebingen Variant Classification Criteria Version 2. Collection method: clinical testing. Allele origin: germline. Affected: yes. Observed: 2 variant alleles.
Comment: SOCS1: BP4, BP7

NM_003745.2(SOCS1):c.150C>T (p.Pro50=)

Gene: SOCS1 (suppressor of cytokine signaling 1; minus strand). Cytogenetic location: 16p13.13.
Variant type: single nucleotide variant.
Coding change: c.150C>T on transcript NM_003745.2 (MANE Select); coding-DNA position 150, C replaced by T.
Protein change: p.Pro50=; no amino-acid change (proline 50 retained).
Molecular consequence: synonymous variant.
Genome position (GRCh38, 1-based): chr16:11,255,329, G>A on the plus strand (C>T on the coding strand, the complement: SOCS1 is on the minus strand). VCF-style: chr16-11255329-G-A. GRCh37 (hg19) VCF-style: chr16-11349186-G-A.
Identifiers: ClinVar variation 2646213 (VCV002646213.24), dbSNP rs748306213, ClinGen allele CA278232794.
Genomic context (GRCh38, chr16:11,255,329, plus strand): 5'-GGCGCGCGTGATGCGCCGGTAATCGGCGTGCGAACGGAATGTGCGGAAGTGCGTGTCGCC[G>A]GGGGCCGGGGCCGGGACCGCGGGGCACGGCCGCGGGCGCGCGGGGGCCGCGGGCGAGGAG-3'
Protein context (NP_003736.1, residues 40-60): RPCPAVPAPA[Pro50=]GDTHFRTFRS